The following is an entry in ClinVar:

NM_024529.5(CDC73):c.1196G>A (p.Arg399Gln)

Gene: CDC73 (cell division cycle 73; plus strand). Cytogenetic location: 1q31.2.
Variant type: single nucleotide variant.
Coding change: c.1196G>A on transcript NM_024529.5 (MANE Select); coding-DNA position 1196, G replaced by A.
Protein change: p.Arg399Gln; replaces arginine 399 with glutamine.
Molecular consequence: missense variant.
Genome position (GRCh38, 1-based): chr1:193,233,034, G>A. VCF-style: chr1-193233034-G-A. GRCh37 (hg19) VCF-style: chr1-193202164-G-A.
Other names: short protein forms R399Q.
Identifiers: ClinVar variation 1992263 (VCV001992263.5), dbSNP rs1223664442, ClinGen allele CA344077800.

ClinVar aggregate classification (germline): Uncertain significance. Review status: criteria provided, multiple submitters, no conflicts (2 of 4 stars). 2 submissions from 2 submitters: Uncertain significance (2). Last evaluated 2024-02-05.

Conditions:
Hereditary cancer-predisposing syndrome. Also called: Tumor predisposition; Hereditary Cancer Syndrome; Hereditary neoplastic syndrome; Neoplastic Syndromes, Hereditary. Identifiers: Orphanet 140162, MedGen C0027672, MeSH D009386, MONDO:0015356.
Parathyroid carcinoma (PRTC). Also called: CDC73-Related Parathyroid Carcinoma; Parathyroid gland carcinoma. Identifiers: Orphanet 143, MedGen C0687150, MONDO:0012004, OMIM 608266, HP:0006780.

Allele frequency attached by ClinVar (database versions not stated): gnomAD exomes 0.00001.
gnomAD v4.1: 7 of 1,613,754 alleles (0.00043%); highest among the groups gnomAD compares: Non-Finnish European, 0.00059%; no homozygotes.

Submissions (2):

Labcorp Genetics (formerly Invitae), Labcorp
Classification: Uncertain significance for Parathyroid carcinoma. Last evaluated: 2024-02-05. Review status: criteria provided, single submitter. Criteria: Invitae Variant Classification Sherloc (09022015). Collection method: clinical testing. Allele origin: germline.
Comment: This sequence change replaces arginine, which is basic and polar, with glutamine, which is neutral and polar, at codon 399 of the CDC73 protein (p.Arg399Gln). This variant is present in population databases (no rsID available, gnomAD 0.0009%). This variant has not been reported in the literature in individuals affected with CDC73-related conditions. ClinVar contains an entry for this variant (Variation ID: 1992263). Advanced modeling of protein sequence and biophysical properties (such as structural, functional, and spatial information, amino acid conservation, physicochemical variation, residue mobility, and thermodynamic stability) performed at Invitae indicates that this missense variant is expected to disrupt CDC73 protein function with a positive predictive value of 80%. In summary, the available evidence is currently insufficient to determine the role of this variant in disease. Therefore, it has been classified as a Variant of Uncertain Significance.

Ambry Genetics
Classification: Uncertain significance for Hereditary cancer-predisposing syndrome. Last evaluated: 2023-12-31. Review status: criteria provided, single submitter. Criteria: Ambry Variant Classification Scheme 2023. Collection method: clinical testing. Allele origin: germline.
Comment: The p.R399Q variant (also known as c.1196G>A), located in coding exon 14 of the CDC73 gene, results from a G to A substitution at nucleotide position 1196. The arginine at codon 399 is replaced by glutamine, an amino acid with highly similar properties. This amino acid position is conserved. In addition, the in silico prediction for this alteration is inconclusive. Since supporting evidence is limited at this time, the clinical significance of this alteration remains unclear.